The following is an entry in ClinVar:

NM_001378778.1(MPDZ):c.5113C>T (p.Arg1705Cys)

Gene: MPDZ (multiple PDZ domain crumbs cell polarity complex component; minus strand). Cytogenetic location: 9p23.
Variant type: single nucleotide variant.
Coding change: c.5113C>T on transcript NM_001378778.1 (MANE Select); coding-DNA position 5113, C replaced by T.
Protein change: p.Arg1705Cys; replaces arginine 1705 with cysteine.
Molecular consequence: missense variant.
Genome position (GRCh38, 1-based): chr9:13,121,857, G>A on the plus strand (C>T on the coding strand, the complement: MPDZ is on the minus strand). VCF-style: chr9-13121857-G-A. GRCh37 (hg19) VCF-style: chr9-13121856-G-A.
Other names: c.5014C>T, p.Arg1672Cys (NM_001261406.2, NM_001261407.2, NM_001375416.1 and 3 more transcripts); c.5113C>T, p.Arg1705Cys (NM_001330637.2, NM_003829.5); c.5212C>T, p.Arg1738Cys (NM_001375413.1); c.4903C>T, p.Arg1635Cys (NM_001375420.1, NM_001375421.1, NM_001375422.1 and 4 more transcripts); c.4705C>T, p.Arg1569Cys (NM_001375427.1); c.5113C>T (NM_003829.4); short protein forms R1569C, R1705C, R1635C, R1738C, R1672C.
Identifiers: ClinVar variation 1438076 (VCV001438076.6), dbSNP rs529673809, ClinGen allele CA4986429.

ClinVar aggregate classification (germline): Uncertain significance. Review status: criteria provided, multiple submitters, no conflicts (2 of 4 stars). 3 submissions from 3 submitters: Uncertain significance (3). Last evaluated 2026-02-23.

Conditions:
Hydrocephalus, nonsyndromic, autosomal recessive 2. Also called: Hydrocephalus, congenital, 2, with or without brain or eye anomalies. Identifiers: Orphanet 2185, MedGen C3554691, MONDO:0014085, OMIM 615219.

Allele frequency attached by ClinVar (database versions not stated): TOPMed 0.00006; gnomAD 0.00007; 1000 Genomes Project 30x 0.00016; ExAC 0.00008; gnomAD exomes 0.00009; 1000 Genomes Project 0.00020.
gnomAD v4.1: 133 of 1,613,612 alleles (0.0082%); highest among the groups gnomAD compares: South Asian, 0.043%; no homozygotes.

Submissions (3):

GeneDx
Classification: Uncertain significance. Last evaluated: 2026-02-23. Review status: criteria provided, single submitter. Criteria: GeneDx Variant Classification Process June 2021. Collection method: clinical testing. Allele origin: germline.
Comment: In silico analysis supports that this missense variant has a deleterious effect on protein structure/function; Has not been previously published as pathogenic or benign to our knowledge

Labcorp Genetics (formerly Invitae), Labcorp
Classification: Uncertain significance. Last evaluated: 2022-02-11. Review status: criteria provided, single submitter. Criteria: Invitae Variant Classification Sherloc (09022015). Collection method: clinical testing. Allele origin: germline.
Comment: This sequence change replaces arginine, which is basic and polar, with cysteine, which is neutral and slightly polar, at codon 1705 of the MPDZ protein (p.Arg1705Cys). This variant is present in population databases (rs529673809, gnomAD 0.05%). This variant has not been reported in the literature in individuals affected with MPDZ-related conditions. Algorithms developed to predict the effect of missense changes on protein structure and function output the following: SIFT: "Deleterious"; PolyPhen-2: "Benign"; Align-GVGD: "Class C65". The cysteine amino acid residue is found in multiple mammalian species, which suggests that this missense change does not adversely affect protein function. In summary, the available evidence is currently insufficient to determine the role of this variant in disease. Therefore, it has been classified as a Variant of Uncertain Significance.

Neuberg Centre For Genomic Medicine, NCGM
Classification: Uncertain significance for Hydrocephalus, nonsyndromic, autosomal recessive 2. Review status: criteria provided, single submitter. Criteria: ACMG Guidelines, 2015. Collection method: clinical testing. Allele origin: germline. Inheritance: Autosomal recessive inheritance. Affected: yes.
Comment: The observed missense variant c.5113C>T(p.Arg1705Cys) in the MPDZ gene has not been reported previously as a pathogenic variant nor as a benign variant, to our knowledge. This variant has been reported to the ClinVar database as Uncertain Significance. However, no details are available for independent assessment. This variant is reported with the allele frequency 0.01% in the gnomAD Exomes. The amino acid Arg at position 1705 is changed to a Cys changing protein sequence and it might alter its composition and physico-chemical properties. Multiple lines of computational evidence (SIFT - Damaging and MutationTaster - Disease causing) predict a damaging effect on protein structure and function for this variant. The residue is conserved by GERP++ and PhyloP across 100 vertebrates. For these reasons, this variant has been classified as Uncertain Significance.